The following is an entry in ClinVar:

NM_001165963.4(SCN1A):c.2720T>G (p.Val907Gly)

Gene: SCN1A (sodium voltage-gated channel alpha subunit 1; minus strand). Cytogenetic location: 2q24.3.
Variant type: single nucleotide variant.
Coding change: c.2720T>G on transcript NM_001165963.4 (MANE Select); coding-DNA position 2720, T replaced by G.
Protein change: p.Val907Gly; replaces valine 907 with glycine.
Molecular consequence: missense variant. On other transcripts: non-coding transcript variant (1).
Genome position (GRCh38, 1-based): chr2:166,038,002, A>C on the plus strand (T>G on the coding strand, the complement: SCN1A is on the minus strand). VCF-style: chr2-166038002-A-C. GRCh37 (hg19) VCF-style: chr2-166894512-A-C.
Other names: NM_001165963.4:c.2720T>G; c.2636T>G, p.Val879Gly (NM_001165964.3, NM_001353957.2, NM_001353958.2); c.2720T>G, p.Val907Gly (NM_001202435.3, NM_001353948.2); c.2687T>G, p.Val896Gly (NM_001353949.2, NM_001353950.2, NM_001353951.2 and 2 more transcripts); c.2684T>G, p.Val895Gly (NM_001353954.2, NM_001353955.2); c.2633T>G, p.Val878Gly (NM_001353960.2); c.278T>G, p.Val93Gly (NM_001353961.2); short protein forms V879G, V895G, V896G, V907G, V93G, V878G.
Identifiers: ClinVar variation 2412681 (VCV002412681.1), dbSNP rs2468098623, ClinGen allele CA349061526.

ClinVar aggregate classification (germline): Likely pathogenic (1 of 4 stars; one submission).

Conditions:
Severe myoclonic epilepsy in infancy (DRVT). Also called: DEVELOPMENTAL AND EPILEPTIC ENCEPHALOPATHY 6A; Severe Myoclonic Epilepsy in Infancy (SMEI); Dravet syndrome; Epileptic encephalopathy, early infantile, 6 (Dravet syndrome); SEVERE MYOCLONIC EPILEPSY OF INFANCY. Identifiers: Orphanet 33069, MedGen C0751122, MONDO:0100135, OMIM 607208.

Submission:

Broad Center for Mendelian Genomics, Broad Institute of MIT and Harvard
Classification: Likely pathogenic for Severe myoclonic epilepsy in infancy. Last evaluated: 2023-01-24. Review status: criteria provided, single submitter. Criteria: ACMG Guidelines, 2015. Collection method: curation. Allele origin: germline. Inheritance: Autosomal dominant inheritance.
Comment: Trio exome analysis showed this variant to be de novo. The p.Val907Gly variant in SCN1A has not been previously reported in individuals with SCN1A-associated disease. This variant was absent from large population studies. The number of missense variants reported in SCN1A in the general population is lower than expected, suggesting there is little benign variation in this gene and slightly increasing the possibility that a missense variant in this gene may not be tolerated. One additional likely pathogenic variant, resulting in a different amino acid change at the same position, p.Val907Phe, has been reported in association with disease in the literature, slightly supporting that a change at this position may not be tolerated (PMID: 27029629). Computational prediction tools and conservation analyses suggest that this variant may impact the protein, though this information is not predictive enough to determine pathogenicity. In summary, although additional studies are required to fully establish its clinical significance, this variant is likely pathogenic for SCN1A-associated disease. ACMG/AMP Criteria applied: PS2_Moderate, PM2_Supporting, PM5_Supporting, PP2, PP3 (Richards 2015).